The following is an entry in ClinVar:

ClinVar aggregate classification (germline): Uncertain significance (1 of 4 stars; one submission).

Submission:

GeneDx
Classification: Uncertain significance. Last evaluated: 2019-04-08. Review status: criteria provided, single submitter. Criteria: GeneDx Variant Classification Process June 2021. Collection method: clinical testing. Allele origin: germline. Affected: yes.
Comment: Has not been previously published as pathogenic or benign to our knowledge; Not observed in large population cohorts (Lek et al., 2016); In-silico analysis, which includes splice predictors and evolutionary conservation, is inconclusive as to whether the variant alters gene splicing. In the absence of RNA/functional studies, the actual effect of this sequence change is unknown.

NM_000466.3(PEX1):c.1899A>T (p.Arg633=)

Gene: PEX1 (peroxisomal biogenesis factor 1; minus strand). Cytogenetic location: 7q21.2.
Variant type: single nucleotide variant.
Coding change: c.1899A>T on transcript NM_000466.3 (MANE Select); coding-DNA position 1899, A replaced by T.
Protein change: p.Arg633=; no amino-acid change (arginine 633 retained).
Molecular consequence: synonymous variant.
Genome position (GRCh38, 1-based): chr7:92,506,249, T>A on the plus strand (A>T on the coding strand, the complement: PEX1 is on the minus strand). VCF-style: chr7-92506249-T-A. GRCh37 (hg19) VCF-style: chr7-92135563-T-A.
Other names: c.1899A>T, p.Arg633= (NM_001282677.2); c.1275A>T, p.Arg425= (NM_001282678.2).
Identifiers: ClinVar variation 1303847 (VCV001303847.2), dbSNP rs2116175839, ClinGen allele CA456483459.